The following is an entry in ClinVar:

ClinVar aggregate classification (germline): Pathogenic. Review status: criteria provided, multiple submitters, no conflicts (2 of 4 stars). 2 submissions from 2 submitters: Pathogenic (2). Last evaluated 2025-01-11.

Conditions:
Hereditary cancer-predisposing syndrome. Also called: Hereditary Cancer Syndrome; Hereditary neoplastic syndrome; Tumor predisposition; Neoplastic Syndromes, Hereditary. Identifiers: Orphanet 140162, MedGen C0027672, MeSH D009386, MONDO:0015356.
Familial adenomatous polyposis 1 (FAP1). Also called: FAMILIAL ADENOMATOUS POLYPOSIS 1, ATTENUATED; POLYPOSIS, ADENOMATOUS INTESTINAL. Identifiers: MedGen C2713442, MONDO:0021056, OMIM 175100. Disease mechanism: loss of function.

Submissions (2):

Ambry Genetics
Classification: Pathogenic for Hereditary cancer-predisposing syndrome. Last evaluated: 2025-01-11. Review status: criteria provided, single submitter. Criteria: Ambry Variant Classification Scheme 2023. Collection method: clinical testing. Allele origin: germline.
Comment: The c.730-494C>G intronic pathogenic variant results from a C to G substitution 494 nucleotides upstream from coding exon 7 in the APC gene. This nucleotide position is well conserved in available vertebrate species. This alteration has been observed in multiple individuals with a personal and/or family history that is consistent with APC-related disease (Ambry internal data; Young, CC et al. JCO Precis Oncol 2024 Mar;8:e2300404). RNA studies have demonstrated that this alteration results in abnormal splicing in the set of samples tested (Ambry internal data). In silico splice site analysis predicts that this alteration will result in the creation or strengthening of a novel splice donor site and will result in the creation or strengthening of a novel splice acceptor site. This variant is considered to be rare based on population cohorts in the Genome Aggregation Database (gnomAD). Based on the supporting evidence, this alteration is interpreted as a disease-causing mutation.

Labcorp Genetics (formerly Invitae), Labcorp
Classification: Pathogenic for Familial adenomatous polyposis 1. Last evaluated: 2023-07-06. Review status: criteria provided, single submitter. Criteria: Invitae Variant Classification Sherloc (09022015). Collection method: clinical testing. Allele origin: germline.
Comment: This variant is not present in population databases (gnomAD no frequency). This sequence change falls in intron 7 of the APC gene. It does not directly change the encoded amino acid sequence of the APC protein. RNA analysis indicates that this variant induces altered splicing and may result in an absent or disrupted protein product. This variant has been observed in individual(s) with familial adenomatous polyposis (Invitae). For these reasons, this variant has been classified as Pathogenic. Studies have shown that this variant results in activation of a cryptic splice site and introduces a premature termination codon (Invitae). The resulting mRNA is expected to undergo nonsense-mediated decay. ClinVar contains an entry for this variant (Variation ID: 1397905).

Literature cited by the submitters: PubMed 38564685 (cited by Ambry Genetics).

NM_000038.6(APC):c.730-494C>G

Gene: APC (APC regulator of Wnt signaling pathway; plus strand). Cytogenetic location: 5q22.2.
Variant type: single nucleotide variant.
Coding change: c.730-494C>G on transcript NM_000038.6 (MANE Select); 494 bases into the intron before coding-DNA position 730, C replaced by G.
Molecular consequence: intron variant.
Genome position (GRCh38, 1-based): chr5:112,800,785, C>G. VCF-style: chr5-112800785-C-G. GRCh37 (hg19) VCF-style: chr5-112136482-C-G.
Other names: c.730-494C>G (NM_001354895.2, NM_001127510.3, NM_001354896.2 and 1 more transcripts); c.760-494C>G (NM_001354897.2, NM_001354902.2); c.676-494C>G (NM_001127511.3); c.655-494C>G (NM_001354898.2, NM_001354904.2); c.-306-494C>G (NM_001354906.2); c.646-494C>G (NM_001354899.2); c.553-494C>G (NM_001354900.2, NM_001354901.2, NM_001354905.2).
Identifiers: ClinVar variation 1397905 (VCV001397905.9), dbSNP rs2149709778, ClinGen allele CA2573138903.
Genomic context (GRCh38, chr5:112,800,785, plus strand): 5'-TTCCTGTTAACAGATGGTGGTTGCATTAGAAAAGGCTTTGGGTTTTATTCATATCAGAAG[C>G]TAAGAGCCTATCATTTTATTTCACCTAACTTTTATTAGAAGATATACATATATATATATA-3'